The following is an entry in ClinVar:

ClinVar aggregate classification (germline): Uncertain significance (1 of 4 stars; one submission).

Conditions:
Familial sleep-related hypermotor epilepsy. Also called: Autosomal Dominant Sleep-Related Hypermotor (Hyperkinetic) Epilepsy. Identifiers: Orphanet 98784, MedGen C3696898, MONDO:0000030.

Submission:

Labcorp Genetics (formerly Invitae), Labcorp
Classification: Uncertain significance. Last evaluated: 2024-03-04. Review status: criteria provided, single submitter. Criteria: Invitae Variant Classification Sherloc (09022015). Collection method: clinical testing. Allele origin: germline.
Comment: This sequence change creates a premature translational stop signal (p.Ala369Profs*11) in the CHRNA2 gene. It is expected to result in an absent or disrupted protein product. However, the current clinical and genetic evidence is not sufficient to establish whether loss-of-function variants in CHRNA2 cause disease. This variant is not present in population databases (gnomAD no frequency). This variant has not been reported in the literature in individuals affected with CHRNA2-related conditions. ClinVar contains an entry for this variant (Variation ID: 1425720). In summary, the available evidence is currently insufficient to determine the role of this variant in disease. Therefore, it has been classified as a Variant of Uncertain Significance.

NM_000742.4(CHRNA2):c.1105del (p.Ala369fs)

Gene: CHRNA2 (cholinergic receptor nicotinic alpha 2 subunit; minus strand). Cytogenetic location: 8p21.2.
Variant type: Deletion.
Coding change: c.1105del on transcript NM_000742.4 (MANE Select); coding-DNA position 1105, one base deleted (G; older notation c.1105delG).
Protein change: p.Ala369fs; shifts the reading frame from alanine 369.
Molecular consequence: frameshift variant.
Genome position (GRCh38, 1-based): chr8:27,463,338, C deleted on the plus strand (G on the coding strand, the reverse complement: CHRNA2 is on the minus strand); the first of 6 consecutive C bases (chr8:27,463,338-27,463,343); deleting any one gives the same sequence. VCF-style (leftmost placement, unchanged base first): chr8-27463337-GC-G. GRCh37 (hg19) VCF-style: chr8-27320854-GC-G.
Other names: c.1060del, p.Ala354fs (NM_001282455.2); c.628del, p.Ala210fs (NM_001347705.2, NM_001347706.2); c.511del, p.Ala171fs (NM_001347707.2, NM_001347708.2); short protein forms A210fs, A171fs, A369fs, A354fs.
Identifiers: ClinVar variation 1425720 (VCV001425720.6), dbSNP rs757376257, ClinGen allele CA1112160499.